The following is an entry in ClinVar:

NM_001278512.2(AP3B2):c.2456C>T (p.Ala819Val)

Genes: AP3B2 (adaptor related protein complex 3 subunit beta 2; minus strand), CPEB1-AS1 (CPEB1 antisense RNA 1; plus strand). Cytogenetic location: 15q25.2.
Variant type: single nucleotide variant.
Coding change: c.2456C>T on transcript NM_001278512.2 (MANE Select); coding-DNA position 2456, C replaced by T.
Protein change: p.Ala819Val; replaces alanine 819 with valine.
Molecular consequence: missense variant.
Genome position (GRCh38, 1-based): chr15:82,663,601, G>A on the plus strand (C>T on the coding strand, the complement: AP3B2 is on the minus strand). VCF-style: chr15-82663601-G-A. GRCh37 (hg19) VCF-style: chr15-83332353-G-A.
Other names: c.2303C>T, p.Ala768Val (NM_001278511.2); c.2399C>T, p.Ala800Val (NM_004644.5); c.2399C>T (NM_004644.3); short protein forms A800V, A768V, A819V.
Identifiers: ClinVar variation 1359230 (VCV001359230.9), dbSNP rs998727894, ClinGen allele CA273480171.

ClinVar aggregate classification (germline): Uncertain significance. Review status: criteria provided, multiple submitters, no conflicts (2 of 4 stars). 2 submissions from 2 submitters: Uncertain significance (2). Last evaluated 2024-12-31.

Conditions:
Inborn genetic diseases. Identifiers: MedGen C0950123, MeSH D030342.

Allele frequency attached by ClinVar (database versions not stated): gnomAD exomes below 0.00001.
gnomAD v4.1: 1 of 1,613,958 alleles (0.000062%); highest among the groups gnomAD compares: South Asian, 0.0011%; no homozygotes.

Submissions (2):

Ambry Genetics
Classification: Uncertain significance for Inborn genetic diseases. Last evaluated: 2024-12-31. Review status: criteria provided, single submitter. Criteria: Ambry Variant Classification Scheme 2023. Collection method: clinical testing. Allele origin: germline.

Labcorp Genetics (formerly Invitae), Labcorp
Classification: Uncertain significance. Last evaluated: 2020-12-30. Review status: criteria provided, single submitter. Criteria: Invitae Variant Classification Sherloc (09022015). Collection method: clinical testing. Allele origin: germline.
Comment: This sequence change replaces alanine with valine at codon 800 of the AP3B2 protein (p.Ala800Val). The alanine residue is weakly conserved and there is a small physicochemical difference between alanine and valine. This variant is not present in population databases (ExAC no frequency). This variant has not been reported in the literature in individuals with AP3B2-related conditions. Algorithms developed to predict the effect of missense changes on protein structure and function output the following: SIFT: "Tolerated"; PolyPhen-2: "Possibly Damaging"; Align-GVGD: "Class C0". The valine amino acid residue is found in multiple mammalian species, suggesting that this missense change does not adversely affect protein function. These predictions have not been confirmed by published functional studies and their clinical significance is uncertain. In summary, the available evidence is currently insufficient to determine the role of this variant in disease. Therefore, it has been classified as a Variant of Uncertain Significance.